The following is an entry in ClinVar:

NM_001942.4(DSG1):c.2965G>A (p.Gly989Ser)

Genes: DSG1 (desmoglein 1; plus strand), DSG1-AS1 (DSG1 antisense RNA 1; minus strand). Cytogenetic location: 18q12.1.
Variant type: single nucleotide variant.
Coding change: c.2965G>A on transcript NM_001942.4 (MANE Select); coding-DNA position 2965, G replaced by A.
Protein change: p.Gly989Ser; replaces glycine 989 with serine.
Molecular consequence: missense variant.
Genome position (GRCh38, 1-based): chr18:31,355,161, G>A. VCF-style: chr18-31355161-G-A. GRCh37 (hg19) VCF-style: chr18-28935124-G-A.
Other names: c.2965G>A (NM_001942.2); short protein forms G989S.
Identifiers: ClinVar variation 1391023 (VCV001391023.8), dbSNP rs145472309, ClinGen allele CA8926489.

ClinVar aggregate classification (germline): Uncertain significance. Review status: criteria provided, multiple submitters, no conflicts (2 of 4 stars). 2 submissions from 2 submitters: Uncertain significance (2). Last evaluated 2025-10-26.

Conditions:
Inborn genetic diseases. Identifiers: MedGen C0950123, MeSH D030342.

Allele frequency attached by ClinVar (database versions not stated): gnomAD 0.00021; ESP Exome Variant Server 0.00038.
gnomAD v4.1: 136 of 1,607,820 alleles (0.0085%); highest among the groups gnomAD compares: African/African-American, 0.045%; no homozygotes.

Submissions (2):

Labcorp Genetics (formerly Invitae), Labcorp
Classification: Uncertain significance. Last evaluated: 2025-10-26. Review status: criteria provided, single submitter. Criteria: Invitae Variant Classification Sherloc (09022015). Collection method: clinical testing. Allele origin: germline.
Comment: This sequence change replaces glycine, which is neutral and non-polar, with serine, which is neutral and polar, at codon 989 of the DSG1 protein (p.Gly989Ser). This variant is present in population databases (rs145472309, gnomAD 0.06%). This variant has not been reported in the literature in individuals affected with DSG1-related conditions. ClinVar contains an entry for this variant (Variation ID: 1391023). An algorithm developed to predict the effect of missense changes on protein structure and function outputs the following: PolyPhen-2: "Probably Damaging". The serine amino acid residue is found in multiple mammalian species, which suggests that this missense change does not adversely affect protein function. In summary, the available evidence is currently insufficient to determine the role of this variant in disease. Therefore, it has been classified as a Variant of Uncertain Significance.

Ambry Genetics
Classification: Uncertain significance for Inborn genetic diseases. Last evaluated: 2025-10-24. Review status: criteria provided, single submitter. Criteria: Ambry Variant Classification Scheme 2023. Collection method: clinical testing. Allele origin: germline.